The following is an entry in ClinVar:

NM_005245.4(FAT1):c.10788G>A (p.Gly3596=)

Genes: FAT1 (FAT atypical cadherin 1; minus strand), LOC126807254 (BRD4-independent group 4 enhancer GRCh37_chr4:187524269-187525468; plus strand). Cytogenetic location: 4q35.2.
Variant type: single nucleotide variant.
Coding change: c.10788G>A on transcript NM_005245.4 (MANE Select); coding-DNA position 10788, G replaced by A.
Protein change: p.Gly3596=; no amino-acid change (glycine 3596 retained).
Molecular consequence: synonymous variant.
Genome position (GRCh38, 1-based): chr4:186,603,738, C>T on the plus strand (G>A on the coding strand, the complement: FAT1 is on the minus strand). VCF-style: chr4-186603738-C-T. GRCh37 (hg19) VCF-style: chr4-187524892-C-T.
Identifiers: ClinVar variation 1662571 (VCV001662571.28), dbSNP rs200627475, ClinGen allele CA3165271.

ClinVar aggregate classification (germline): Likely benign. Review status: criteria provided, multiple submitters, no conflicts (2 of 4 stars). 5 submissions from 5 submitters: Likely benign (4). 1 of the submissions does not count toward it. Last evaluated 2025-11-11.

Conditions:
FAT1-related disorder. Also called: FAT1-related condition.

Allele frequency attached by ClinVar (database versions not stated): gnomAD exomes 0.00019 and 0.00020; ExAC 0.00020; ESP Exome Variant Server 0.00023; TOPMed 0.00023; gnomAD 0.00026 and 0.00027.
gnomAD v4.1: 317 of 1,613,800 alleles (0.02%); highest among the groups gnomAD compares: Non-Finnish European, 0.023%; 2 homozygotes.

Submissions (7):

Labcorp Genetics (formerly Invitae), Labcorp
Classification: Likely benign. Last evaluated: 2025-11-11. Review status: criteria provided, single submitter. Criteria: Invitae Variant Classification Sherloc (09022015). Collection method: clinical testing. Allele origin: germline.

Blueprint Genetics
Classification: Likely benign. Last evaluated: 2024-11-14. Review status: criteria provided, single submitter. Criteria: ACMG Guidelines, 2015. Collection method: clinical testing. Allele origin: germline.

CeGaT Center for Human Genetics Tuebingen
Classification: Likely benign. Last evaluated: 2024-11-01. Review status: criteria provided, single submitter. Criteria: CeGaT Center For Human Genetics Tuebingen Variant Classification Criteria Version 2. Collection method: clinical testing. Allele origin: germline. Affected: yes. Observed: 1 variant allele.
Comment: FAT1: BP4, BP7

GeneDx
Classification: Likely benign. Last evaluated: 2021-02-25. Review status: criteria provided, single submitter. Criteria: GeneDx Variant Classification Process June 2021. Collection method: clinical testing. Allele origin: germline. Affected: yes.
Comment: See Variant Classification Assertion Criteria.

PreventionGenetics, part of Exact Sciences
Classification: Likely benign for FAT1-related condition. Last evaluated: 2019-06-28. Review status: no assertion criteria provided. Collection method: clinical testing. Allele origin: germline. Not counted in ClinVar's aggregate classification.
Comment: This variant is classified as likely benign based on ACMG/AMP sequence variant interpretation guidelines (Richards et al. 2015 PMID: 25741868, with internal and published modifications).

Dr. Peter K. Rogan Lab, Western University
No classification provided (evidence only). Condition: Familial cancer of breast. Review status: no classification provided. Collection method: in vitro. Allele origin: not applicable. Functional consequence: retained intron. Not counted in ClinVar's aggregate classification.

Dr. Peter K. Rogan Lab, Western University
No classification provided (evidence only). Condition: Nonpapillary renal cell carcinoma. Review status: no classification provided. Collection method: in vitro. Allele origin: not applicable. Functional consequence: retained intron. Not counted in ClinVar's aggregate classification.